The following is an entry in ClinVar:

NM_013444.4(UBQLN2):c.1728G>C (p.Pro576=)

Gene: UBQLN2 (ubiquilin 2; plus strand). Cytogenetic location: Xp11.21.
Variant type: single nucleotide variant.
Coding change: c.1728G>C on transcript NM_013444.4 (MANE Select); coding-DNA position 1728, G replaced by C.
Protein change: p.Pro576=; no amino-acid change (proline 576 retained).
Molecular consequence: synonymous variant.
Genome position (GRCh38, 1-based): chrX:56,565,601, G>C. VCF-style: chrX-56565601-G-C. GRCh37 (hg19) VCF-style: chrX-56592034-G-C.
Identifiers: ClinVar variation 3036871 (VCV003036871.2), dbSNP rs761051735, ClinGen allele CA516701674.

ClinVar aggregate classification (germline): Likely benign (0 of 4 stars; one submission).

Conditions:
UBQLN2-related disorder. Also called: UBQLN2-related condition.

Allele frequency attached by ClinVar (database versions not stated): TOPMed 0.00001.
gnomAD v4.1: 2 of 1,212,022 alleles (0.00017%); highest among the groups gnomAD compares: Admixed American, 0.0043%; no homozygotes.

Submission:

PreventionGenetics, part of Exact Sciences
Classification: Likely benign for UBQLN2-related condition. Last evaluated: 2023-02-15. Review status: no assertion criteria provided. Collection method: clinical testing. Allele origin: germline.
Comment: This variant is classified as likely benign based on ACMG/AMP sequence variant interpretation guidelines (Richards et al. 2015 PMID: 25741868, with internal and published modifications).